The following is an entry in ClinVar:

NM_130384.3(ATRIP):c.1733A>C (p.Asp578Ala)

Genes: ATRIP (ATR interacting protein; plus strand), ATRIP-TREX1 (ATRIP-TREX1 readthrough; plus strand). Cytogenetic location: 3p21.31.
Variant type: single nucleotide variant.
Coding change: c.1733A>C on transcript NM_130384.3 (MANE Select); coding-DNA position 1733, A replaced by C.
Protein change: p.Asp578Ala; replaces aspartic acid 578 with alanine.
Molecular consequence: missense variant. On other transcripts: non-coding transcript variant (1).
Genome position (GRCh38, 1-based): chr3:48,460,787, A>C. VCF-style: chr3-48460787-A-C. GRCh37 (hg19) VCF-style: chr3-48502186-A-C.
Other names: c.1352A>C, p.Asp451Ala (NM_001271022.2); c.1454A>C, p.Asp485Ala (NM_001271023.2); c.1733A>C, p.Asp578Ala (NM_032166.4); c.1733A>C (NM_130384.1); short protein forms D451A, D485A, D578A.
Identifiers: ClinVar variation 2789926 (VCV002789926.3), dbSNP rs368615978, ClinGen allele CA2376248.

ClinVar aggregate classification (germline): Uncertain significance. Review status: criteria provided, multiple submitters, no conflicts (2 of 4 stars). 2 submissions from 2 submitters: Uncertain significance (2). Last evaluated 2025-03-05.

Allele frequency attached by ClinVar (database versions not stated): gnomAD exomes below 0.00001; ExAC 0.00001; gnomAD 0.00002; TOPMed 0.00003; ESP Exome Variant Server 0.00008.

Submissions (2):

Ambry Genetics
Classification: Uncertain significance. Last evaluated: 2025-03-05. Review status: criteria provided, single submitter. Criteria: Ambry Variant Classification Scheme 2023. Collection method: clinical testing. Allele origin: germline.
Comment: The p.D578A variant (also known as c.1733A>C), located in coding exon 8 of the ATRIP gene, results from an A to C substitution at nucleotide position 1733. The aspartic acid at codon 578 is replaced by alanine, an amino acid with dissimilar properties. This amino acid position is conserved. In addition, this alteration is predicted to be tolerated by in silico analysis. Based on the available evidence, the clinical significance of this variant remains unclear.

Labcorp Genetics (formerly Invitae), Labcorp
Classification: Uncertain significance. Last evaluated: 2024-01-11. Review status: criteria provided, single submitter. Criteria: Invitae Variant Classification Sherloc (09022015). Collection method: clinical testing. Allele origin: germline.
Comment: This sequence change replaces aspartic acid, which is acidic and polar, with alanine, which is neutral and non-polar, at codon 578 of the ATRIP protein (p.Asp578Ala). This variant is present in population databases (rs368615978, gnomAD 0.0009%). This variant has not been reported in the literature in individuals affected with ATRIP-related conditions. An algorithm developed to predict the effect of missense changes on protein structure and function (PolyPhen-2) suggests that this variant¬¨‚Ä†is likely to be tolerated. In summary, the available evidence is currently insufficient to determine the role of this variant in disease. Therefore, it has been classified as a Variant of Uncertain Significance.